The following is an entry in ClinVar:

ClinVar aggregate classification (germline): Uncertain significance (1 of 4 stars; one submission).

Conditions:
Cardiovascular phenotype. Identifiers: MedGen CN230736.

gnomAD v4.1: 1 of 1,614,142 alleles (0.000062%); highest among the groups gnomAD compares: Non-Finnish European, 0.000085%; no homozygotes.

Submission:

Ambry Genetics
Classification: Uncertain significance for Cardiovascular phenotype. Last evaluated: 2025-06-15. Review status: criteria provided, single submitter. Criteria: Ambry Variant Classification Scheme 2023. Collection method: clinical testing. Allele origin: germline.
Comment: The p.L1002F variant (also known as c.3004C>T), located in coding exon 6 of the ALPK3 gene, results from a C to T substitution at nucleotide position 3004. The leucine at codon 1002 is replaced by phenylalanine, an amino acid with highly similar properties. This amino acid position is conserved. In addition, this alteration is predicted to be tolerated by in silico analysis. Based on the available evidence, the clinical significance of this variant remains unclear.

NM_020778.5(ALPK3):c.2398C>T (p.Leu800Phe)

Gene: ALPK3 (alpha kinase 3; plus strand). Cytogenetic location: 15q25.3.
Variant type: single nucleotide variant.
Coding change: c.2398C>T on transcript NM_020778.5 (MANE Select); coding-DNA position 2398, C replaced by T.
Protein change: p.Leu800Phe; replaces leucine 800 with phenylalanine.
Molecular consequence: missense variant.
Genome position (GRCh38, 1-based): chr15:84,857,136, C>T. VCF-style: chr15-84857136-C-T. GRCh37 (hg19) VCF-style: chr15-85400367-C-T.
Other names: short protein forms L800F.
Identifiers: ClinVar variation 4088750 (VCV004088750.1).